The following is an entry in ClinVar:

ClinVar aggregate classification (germline): Uncertain significance. Review status: criteria provided, multiple submitters, no conflicts (2 of 4 stars). 2 submissions from 2 submitters: Uncertain significance (2). Last evaluated 2025-07-11.

Conditions:
Familial adenomatous polyposis 1 (FAP1). Also called: FAMILIAL ADENOMATOUS POLYPOSIS 1, ATTENUATED; POLYPOSIS, ADENOMATOUS INTESTINAL. Identifiers: MedGen C2713442, MONDO:0021056, OMIM 175100. Disease mechanism: loss of function.
Hereditary cancer-predisposing syndrome. Also called: Neoplastic Syndromes, Hereditary; Tumor predisposition; Hereditary Cancer Syndrome; Hereditary neoplastic syndrome. Identifiers: Orphanet 140162, MedGen C0027672, MeSH D009386, MONDO:0015356.

Submissions (2):

Ambry Genetics
Classification: Uncertain significance for Hereditary cancer-predisposing syndrome. Last evaluated: 2025-07-11. Review status: criteria provided, single submitter. Criteria: Ambry Variant Classification Scheme 2023. Collection method: clinical testing. Allele origin: germline.
Comment: The p.H286L variant (also known as c.857A>T), located in coding exon 8 of the APC gene, results from an A to T substitution at nucleotide position 857. The histidine at codon 286 is replaced by leucine, an amino acid with similar properties. This amino acid position is well conserved in available vertebrate species. In addition, in silico predictors for this gene do not accurately predict pathogenicity. Missense alterations in APC are not a common cause of disease (Spier I et al. Genet Med. 2024 Feb;26(2):100992). Based on the available evidence, the clinical significance of this variant remains unclear.

Labcorp Genetics (formerly Invitae), Labcorp
Classification: Uncertain significance for Familial adenomatous polyposis 1. Last evaluated: 2023-05-20. Review status: criteria provided, single submitter. Criteria: Invitae Variant Classification Sherloc (09022015). Collection method: clinical testing. Allele origin: germline.
Comment: In summary, the available evidence is currently insufficient to determine the role of this variant in disease. Therefore, it has been classified as a Variant of Uncertain Significance. Advanced modeling of protein sequence and biophysical properties (such as structural, functional, and spatial information, amino acid conservation, physicochemical variation, residue mobility, and thermodynamic stability) performed at Invitae indicates that this missense variant is not expected to disrupt APC protein function. ClinVar contains an entry for this variant (Variation ID: 482300). This variant has not been reported in the literature in individuals affected with APC-related conditions. This variant is not present in population databases (gnomAD no frequency). This sequence change replaces histidine, which is basic and polar, with leucine, which is neutral and non-polar, at codon 286 of the APC protein (p.His286Leu).

NM_000038.6(APC):c.857A>T (p.His286Leu)

Gene: APC (APC regulator of Wnt signaling pathway; plus strand). Cytogenetic location: 5q22.2.
Variant type: single nucleotide variant.
Coding change: c.857A>T on transcript NM_000038.6 (MANE Select); coding-DNA position 857, A replaced by T.
Protein change: p.His286Leu; replaces histidine 286 with leucine.
Molecular consequence: missense variant.
Genome position (GRCh38, 1-based): chr5:112,815,517, A>T. VCF-style: chr5-112815517-A-T. GRCh37 (hg19) VCF-style: chr5-112151214-A-T.
Other names: c.857A>T, p.His286Leu (NM_001127510.3, NM_001354895.2, NM_001354896.2 and 1 more transcripts); c.803A>T, p.His268Leu (NM_001127511.3); c.887A>T, p.His296Leu (NM_001354897.2, NM_001354902.2); c.782A>T, p.His261Leu (NM_001354898.2, NM_001354904.2); c.773A>T, p.His258Leu (NM_001354899.2); c.680A>T, p.His227Leu (NM_001354900.2, NM_001354901.2, NM_001354905.2); c.8A>T, p.His3Leu (NM_001354906.2); short protein forms H286L, H268L, H261L, H296L, H258L, H3L, H227L.
Identifiers: ClinVar variation 482300 (VCV000482300.16), dbSNP rs1554079141, ClinGen allele CA16023194.